The following is an entry in ClinVar:

NM_000135.4(FANCA):c.2110C>G (p.Leu704Val)

Gene: FANCA (FA complementation group A; minus strand). Cytogenetic location: 16q24.3.
Variant type: single nucleotide variant.
Coding change: c.2110C>G on transcript NM_000135.4 (MANE Select); coding-DNA position 2110, C replaced by G.
Protein change: p.Leu704Val; replaces leucine 704 with valine.
Molecular consequence: missense variant.
Genome position (GRCh38, 1-based): chr16:89,771,719, G>C on the plus strand (C>G on the coding strand, the complement: FANCA is on the minus strand). VCF-style: chr16-89771719-G-C. GRCh37 (hg19) VCF-style: chr16-89838127-G-C.
Other names: c.2110C>G (LRG_495t1); c.2110C>G, p.Leu704Val (NM_001286167.3); short protein forms L704V.
Identifiers: ClinVar variation 526408 (VCV000526408.6), dbSNP rs1555548507, ClinGen allele CA397448177.
Genomic context (GRCh38, chr16:89,771,719, plus strand): 5'-TCTGAGCCCCTACACCTACCATGTGTTCCCGTGGCTCCAGTCTCGGCGTGTTGATGCTGA[G>C]CTGAATCTTTGATATCTCAACGCTGCTGTCATCCTCATTGTGGCCCAGGACAGCCCTCAG-3'
Protein context (NP_000126.2, residues 694-714): DSSVEISKIQ[Leu704Val]SINTPRLEPR

ClinVar aggregate classification (germline): Uncertain significance (1 of 4 stars; one submission).

Conditions:
Fanconi anemia (FA). Also called: Fanconi's anemia. Identifiers: Orphanet 84, MedGen C0015625, MeSH D005199, MONDO:0019391.

Submission:

Labcorp Genetics (formerly Invitae), Labcorp
Classification: Uncertain significance for Fanconi anemia. Last evaluated: 2021-08-26. Review status: criteria provided, single submitter. Criteria: Invitae Variant Classification Sherloc (09022015). Collection method: clinical testing. Allele origin: germline.
Comment: This sequence change replaces leucine with valine at codon 704 of the FANCA protein (p.Leu704Val). The leucine residue is moderately conserved and there is a small physicochemical difference between leucine and valine. This variant is not present in population databases (ExAC no frequency). This variant has not been reported in the literature in individuals affected with FANCA-related conditions. Algorithms developed to predict the effect of missense changes on protein structure and function (SIFT, PolyPhen-2, Align-GVGD) all suggest that this variant is likely to be tolerated. Algorithms developed to predict the effect of sequence changes on RNA splicing suggest that this variant may create or strengthen a splice site. In summary, the available evidence is currently insufficient to determine the role of this variant in disease. Therefore, it has been classified as a Variant of Uncertain Significance.